The following is an entry in ClinVar:

ClinVar aggregate classification (germline): Uncertain significance. Review status: criteria provided, multiple submitters, no conflicts (2 of 4 stars). 2 submissions from 2 submitters: Uncertain significance (2). Last evaluated 2025-10-07.

Conditions:
Inborn genetic diseases. Identifiers: MedGen C0950123, MeSH D030342.

Allele frequency attached by ClinVar (database versions not stated): ExAC 0.00002; gnomAD exomes 0.00004; gnomAD 0.00003; TOPMed 0.00005.
gnomAD v4.1: 67 of 1,613,580 alleles (0.0042%); highest among the groups gnomAD compares: Middle Eastern, 0.033%; no homozygotes.

Submissions (2):

Ambry Genetics
Classification: Uncertain significance for Inborn genetic diseases. Last evaluated: 2025-10-07. Review status: criteria provided, single submitter. Criteria: Ambry Variant Classification Scheme 2023. Collection method: clinical testing. Allele origin: germline.

Labcorp Genetics (formerly Invitae), Labcorp
Classification: Uncertain significance. Last evaluated: 2022-07-19. Review status: criteria provided, single submitter. Criteria: Invitae Variant Classification Sherloc (09022015). Collection method: clinical testing. Allele origin: germline.
Comment: This sequence change replaces arginine, which is basic and polar, with tryptophan, which is neutral and slightly polar, at codon 240 of the UNC45A protein (p.Arg240Trp). This variant is present in population databases (rs770400301, gnomAD 0.008%). This variant has not been reported in the literature in individuals affected with UNC45A-related conditions. Algorithms developed to predict the effect of missense changes on protein structure and function are either unavailable or do not agree on the potential impact of this missense change (SIFT: "Not Available"; PolyPhen-2: "Possibly Damaging"; Align-GVGD: "Not Available"). In summary, the available evidence is currently insufficient to determine the role of this variant in disease. Therefore, it has been classified as a Variant of Uncertain Significance.

NM_018671.5(UNC45A):c.718C>T (p.Arg240Trp)

Gene: UNC45A (unc-45 myosin chaperone A; plus strand). Cytogenetic location: 15q26.1.
Variant type: single nucleotide variant.
Coding change: c.718C>T on transcript NM_018671.5 (MANE Select); coding-DNA position 718, C replaced by T.
Protein change: p.Arg240Trp; replaces arginine 240 with tryptophan.
Molecular consequence: missense variant.
Genome position (GRCh38, 1-based): chr15:90,942,467, C>T. VCF-style: chr15-90942467-C-T. GRCh37 (hg19) VCF-style: chr15-91485697-C-T.
Other names: c.718C>T (NM_018671.3); c.673C>T, p.Arg225Trp (NM_001039675.2, NM_001323621.2); c.718C>T, p.Arg240Trp (NM_001323619.1); c.283C>T, p.Arg95Trp (NM_001323620.2); short protein forms R95W, R225W, R240W.
Identifiers: ClinVar variation 2189007 (VCV002189007.2), dbSNP rs770400301, ClinGen allele CA7742650.